The following is an entry in ClinVar:

ClinVar aggregate classification (germline): Pathogenic (1 of 4 stars; one submission).

Submission:

Labcorp Genetics (formerly Invitae), Labcorp
Classification: Pathogenic. Last evaluated: 2022-03-09. Review status: criteria provided, single submitter. Criteria: Invitae Variant Classification Sherloc (09022015). Collection method: clinical testing. Allele origin: germline.
Comment: For these reasons, this variant has been classified as Pathogenic. This variant has not been reported in the literature in individuals affected with LRP2-related conditions. This variant is not present in population databases (gnomAD no frequency). This sequence change creates a premature translational stop signal (p.Asn966Glnfs*7) in the LRP2 gene. It is expected to result in an absent or disrupted protein product. Loss-of-function variants in LRP2 are known to be pathogenic (PMID: 17632512, 25682901).

Literature cited by the submitters: PubMed 17632512; PubMed 25682901.

NM_004525.3(LRP2):c.2894dup (p.Asn966fs)

Gene: LRP2 (LDL receptor related protein 2; minus strand). Cytogenetic location: 2q31.1.
Variant type: Duplication.
Coding change: c.2894dup on transcript NM_004525.3 (MANE Select); coding-DNA position 2894, one base duplicated (T; older notation c.2894dupT).
Protein change: p.Asn966fs; shifts the reading frame from asparagine 966.
Molecular consequence: frameshift variant.
Genome position (GRCh38, 1-based): chr2:169,247,392, A duplicated on the plus strand (T on the coding strand, the reverse complement: LRP2 is on the minus strand). VCF-style (leftmost placement, unchanged base first): chr2-169247391-G-GA. GRCh37 (hg19) VCF-style: chr2-170103901-G-GA.
Other names: short protein forms N966fs.
Identifiers: ClinVar variation 1353323 (VCV001353323.6), dbSNP rs2105394755, ClinGen allele CA2573134044.